The following is an entry in ClinVar:

ClinVar aggregate classification (germline): Uncertain significance (1 of 4 stars; one submission).

Conditions:
Autosomal recessive limb-girdle muscular dystrophy type 2F (LGMDR6). Also called: Muscular dystrophy limb-girdle with delta-sarcoglyan deficiency; MUSCULAR DYSTROPHY, LIMB-GIRDLE, AUTOSOMAL RECESSIVE 6. Identifiers: Orphanet 219, MedGen C1832525, MONDO:0011028, OMIM 601287. Disease mechanism: Affects gamma-sarcoglycan and also disrupts the integrity of the entire sarcoglycan complex..

Submission:

Labcorp Genetics (formerly Invitae), Labcorp
Classification: Uncertain significance for Autosomal recessive limb-girdle muscular dystrophy type 2F. Last evaluated: 2021-08-31. Review status: criteria provided, single submitter. Criteria: Invitae Variant Classification Sherloc (09022015). Collection method: clinical testing. Allele origin: germline.
Comment: This sequence change replaces lysine with isoleucine at codon 138 of the SGCD protein (p.Lys138Ile). The lysine residue is weakly conserved and there is a moderate physicochemical difference between lysine and isoleucine. This variant is not present in population databases (ExAC no frequency). This variant has not been reported in the literature in individuals affected with SGCD-related conditions. Algorithms developed to predict the effect of missense changes on protein structure and function (SIFT, PolyPhen-2, Align-GVGD) all suggest that this variant is likely to be tolerated. In summary, the available evidence is currently insufficient to determine the role of this variant in disease. Therefore, it has been classified as a Variant of Uncertain Significance.

NM_000337.6(SGCD):c.413A>T (p.Lys138Ile)

Gene: SGCD (sarcoglycan delta; plus strand). Cytogenetic location: 5q33.3.
Variant type: single nucleotide variant.
Coding change: c.413A>T on transcript NM_000337.6 (MANE Select); coding-DNA position 413, A replaced by T.
Protein change: p.Lys138Ile; replaces lysine 138 with isoleucine.
Molecular consequence: missense variant.
Genome position (GRCh38, 1-based): chr5:156,594,962, A>T. VCF-style: chr5-156594962-A-T. GRCh37 (hg19) VCF-style: chr5-156021972-A-T.
Other names: c.410A>T, p.Lys137Ile (NM_001128209.2); c.413A>T, p.Lys138Ile (NM_172244.3); short protein forms K137I, K138I.
Identifiers: ClinVar variation 1026490 (VCV001026490.6), dbSNP rs1760869370, ClinGen allele CA362010375.
Genomic context (GRCh38, chr5:156,594,962, plus strand): 5'-TCTATCTCTCTATCTCTCTATATCTCTCAGGTCCAAAAGCCGTAGAAGCTTATGGTAAAA[A>T]ATTTGAGGTAAAAACTGTTTCTGGAAAATTGCTCTTCTCTGCAGACAATAATGAAGTGGT-3'
Protein context (NP_000328.2, residues 128-148): GPKAVEAYGK[Lys138Ile]FEVKTVSGKL